The following is an entry in ClinVar:

ClinVar aggregate classification (germline): Uncertain significance (1 of 4 stars; one submission).

Allele frequency attached by ClinVar (database versions not stated): ExAC 0.00008; TOPMed 0.00010; gnomAD 0.00013; 1000 Genomes Project 30x 0.00016; 1000 Genomes Project 0.00020; ESP Exome Variant Server 0.00023.
gnomAD v4.1: 129 of 1,612,998 alleles (0.008%); highest among the groups gnomAD compares: Middle Eastern, 0.23%; no homozygotes.

Submission:

Labcorp Genetics (formerly Invitae), Labcorp
Classification: Uncertain significance. Last evaluated: 2023-11-27. Review status: criteria provided, single submitter. Criteria: Invitae Variant Classification Sherloc (09022015). Collection method: clinical testing. Allele origin: germline.
Comment: This sequence change falls in intron 21 of the EGF gene. It does not directly change the encoded amino acid sequence of the EGF protein. It affects a nucleotide within the consensus splice site. This variant is present in population databases (rs201061448, gnomAD 0.02%). This variant has not been reported in the literature in individuals affected with EGF-related conditions. ClinVar contains an entry for this variant (Variation ID: 2196837). Variants that disrupt the consensus splice site are a relatively common cause of aberrant splicing (PMID: 17576681, 9536098). Algorithms developed to predict the effect of sequence changes on RNA splicing suggest that this variant is not likely to affect RNA splicing. In summary, the available evidence is currently insufficient to determine the role of this variant in disease. Therefore, it has been classified as a Variant of Uncertain Significance.

Literature cited by the submitters: PubMed 17576681; PubMed 9536098.

NM_001963.6(EGF):c.3173+6C>T

Gene: EGF (epidermal growth factor; plus strand). Cytogenetic location: 4q25.
Variant type: single nucleotide variant.
Coding change: c.3173+6C>T on transcript NM_001963.6 (MANE Select); 6 bases into the intron after coding-DNA position 3173, C replaced by T.
Molecular consequence: intron variant.
Genome position (GRCh38, 1-based): chr4:109,999,852, C>T. VCF-style: chr4-109999852-C-T. GRCh37 (hg19) VCF-style: chr4-110921008-C-T.
Other names: c.2804+6C>T (NM_001357021.2); c.3050+6C>T (NM_001178130.3); c.3047+6C>T (NM_001178131.3).
Identifiers: ClinVar variation 2196837 (VCV002196837.4), dbSNP rs201061448, ClinGen allele CA3044191.